The following is an entry in ClinVar:

NM_004304.5(ALK):c.4311C>G (p.Ser1437Arg)

Gene: ALK (ALK receptor tyrosine kinase; minus strand). Cytogenetic location: 2p23.2.
Variant type: single nucleotide variant.
Coding change: c.4311C>G on transcript NM_004304.5 (MANE Select); coding-DNA position 4311, C replaced by G.
Protein change: p.Ser1437Arg; replaces serine 1437 with arginine.
Molecular consequence: missense variant.
Genome position (GRCh38, 1-based): chr2:29,193,776, G>C on the plus strand (C>G on the coding strand, the complement: ALK is on the minus strand). VCF-style: chr2-29193776-G-C. GRCh37 (hg19) VCF-style: chr2-29416642-G-C.
Other names: c.1107C>G, p.Ser369Arg (NM_001353765.2); short protein forms S1437R, S369R.
Identifiers: ClinVar variation 3525572 (VCV003525572.4).

ClinVar aggregate classification (germline): Uncertain significance. Review status: criteria provided, multiple submitters, no conflicts (2 of 4 stars). 2 submissions from 2 submitters: Uncertain significance (2). Last evaluated 2025-01-25.

Conditions:
Hereditary cancer-predisposing syndrome. Also called: Hereditary Cancer Syndrome; Hereditary neoplastic syndrome; Neoplastic Syndromes, Hereditary; Tumor predisposition. Identifiers: Orphanet 140162, MedGen C0027672, MeSH D009386, MONDO:0015356.
Neuroblastoma, susceptibility to, 3. Also called: ALK-Related Neuroblastic Tumor Susceptibility. Identifiers: Orphanet 635, MedGen C2751681, MONDO:0013083, OMIM 613014.

Submissions (2):

Ambry Genetics
Classification: Uncertain significance for Hereditary cancer-predisposing syndrome. Last evaluated: 2025-01-25. Review status: criteria provided, single submitter. Criteria: Ambry Variant Classification Scheme 2023. Collection method: clinical testing. Allele origin: germline.
Comment: The p.S1437R variant (also known as c.4311C>G), located in coding exon 29 of the ALK gene, results from a C to G substitution at nucleotide position 4311. The serine at codon 1437 is replaced by arginine, an amino acid with dissimilar properties. This amino acid position is conserved. In addition, this alteration is predicted to be tolerated by in silico analysis. Based on the available evidence, the clinical significance of this variant remains unclear.

Labcorp Genetics (formerly Invitae), Labcorp
Classification: Uncertain significance for Neuroblastoma, susceptibility to, 3. Last evaluated: 2024-03-28. Review status: criteria provided, single submitter. Criteria: Invitae Variant Classification Sherloc (09022015). Collection method: clinical testing. Allele origin: germline.
Comment: This sequence change replaces serine, which is neutral and polar, with arginine, which is basic and polar, at codon 1437 of the ALK protein (p.Ser1437Arg). This variant is not present in population databases (gnomAD no frequency). This variant has not been reported in the literature in individuals affected with ALK-related conditions. An algorithm developed to predict the effect of missense changes on protein structure and function (PolyPhen-2) suggests that this variant is likely to be tolerated. In summary, the available evidence is currently insufficient to determine the role of this variant in disease. Therefore, it has been classified as a Variant of Uncertain Significance.